The following is an entry in ClinVar:

ClinVar aggregate classification (germline): Uncertain significance (1 of 4 stars; one submission).

Allele frequency attached by ClinVar (database versions not stated): gnomAD exomes below 0.00001; TOPMed below 0.00001.
gnomAD v4.1: 6 of 1,613,858 alleles (0.00037%); highest among the groups gnomAD compares: East Asian, 0.0089%; no homozygotes.

Submission:

GeneDx
Classification: Uncertain significance. Last evaluated: 2024-07-11. Review status: criteria provided, single submitter. Criteria: GeneDx Variant Classification Process June 2021. Collection method: clinical testing. Allele origin: germline. Affected: yes.
Comment: Not observed at significant frequency in large population cohorts (gnomAD); In silico analysis supports that this missense variant has a deleterious effect on protein structure/function; Has not been previously published as pathogenic or benign to our knowledge

NM_017852.5(NLRP2):c.140T>C (p.Val47Ala)

Gene: NLRP2 (NLR family pyrin domain containing 2; plus strand). Cytogenetic location: 19q13.42.
Variant type: single nucleotide variant.
Coding change: c.140T>C on transcript NM_017852.5 (MANE Select); coding-DNA position 140, T replaced by C.
Protein change: p.Val47Ala; replaces valine 47 with alanine.
Molecular consequence: missense variant. On other transcripts: non-coding transcript variant (1), splice donor variant (1).
Genome position (GRCh38, 1-based): chr19:54,970,155, T>C. VCF-style: chr19-54970155-T-C. GRCh37 (hg19) VCF-style: chr19-55481523-T-C.
Other names: c.140T>C, p.Val47Ala (NM_001174081.3, NM_001174082.3, NM_001348003.2); c.138+2T>C (NM_001174083.2); short protein forms V47A.
Identifiers: ClinVar variation 2574904 (VCV002574904.2), dbSNP rs2070752208, ClinGen allele CA407865376.